The following is an entry in ClinVar:

ClinVar aggregate classification (germline): Uncertain significance (1 of 4 stars; one submission).

Conditions:
Long QT syndrome 6 (LQT6). Identifiers: Orphanet 101016, Orphanet 768, MedGen C3150953, MONDO:0013370, OMIM 613693.

Submission:

Labcorp Genetics (formerly Invitae), Labcorp
Classification: Uncertain significance for Long QT syndrome 6. Last evaluated: 2020-12-11. Review status: criteria provided, single submitter. Criteria: Invitae Variant Classification Sherloc (09022015). Collection method: clinical testing. Allele origin: germline.
Comment: In summary, the available evidence is currently insufficient to determine the role of this variant in disease. Therefore, it has been classified as a Variant of Uncertain Significance. Experimental studies and prediction algorithms are not available or were not evaluated, and the functional significance of this variant is currently unknown. This variant has not been reported in the literature in individuals with KCNE2-related conditions. This variant is not present in population databases (ExAC no frequency). This sequence change results in a frameshift in the KCNE2 gene (p.Ala116Valfs*20). While this is not anticipated to result in nonsense mediated decay, it is expected to disrupt the last 8 amino acid(s) of the KCNE2 protein and extend the protein by 11 additional amino acid residues.

NM_172201.2(KCNE2):c.345_346dup (p.Ala116fs)

Genes: KCNE2 (potassium voltage-gated channel subfamily E regulatory subunit 2; plus strand), LOC105372791 (uncharacterized LOC105372791; minus strand). Cytogenetic location: 21q22.11.
Variant type: Duplication.
Coding change: c.345_346dup on transcript NM_172201.2 (MANE Select); coding-DNA positions 345 to 346, 2 bases duplicated (TG; older notation c.345_346dupTG).
Protein change: p.Ala116fs; shifts the reading frame from alanine 116.
Molecular consequence: frameshift variant.
Genome position (GRCh38, 1-based): chr21:34,370,823-34,370,824, TG duplicated; duplicating any 2 consecutive bases within chr21:34,370,822-34,370,824 gives the same sequence; the c. name uses the placement nearest the transcript's 3' end. VCF-style (leftmost placement, unchanged base first): chr21-34370821-G-GGT. GRCh37 (hg19) VCF-style: chr21-35743120-G-GGT.
Other names: short protein forms A116fs.
Identifiers: ClinVar variation 1355597 (VCV001355597.6), dbSNP rs2123424300, ClinGen allele CA2573157403.